The following is an entry in ClinVar:

ClinVar aggregate classification (germline): Conflicting classifications of pathogenicity. Review status: criteria provided, conflicting classifications (1 of 4 stars). 2 submissions from 2 submitters: Uncertain significance (1); Likely benign (1). Last evaluated 2022-10-01.

Conditions:
Progressive myoclonic epilepsy type 8. Identifiers: Orphanet 424027, MedGen C5190825, MONDO:0014545, OMIM 616230.

Allele frequency attached by ClinVar (database versions not stated): ExAC 0.00001; gnomAD 0.00001; gnomAD exomes 0.00001; TOPMed 0.00001.

Submissions (2):

CeGaT Center for Human Genetics Tuebingen
Classification: Likely benign. Last evaluated: 2022-10-01. Review status: criteria provided, single submitter. Criteria: CeGaT Center For Human Genetics Tuebingen Variant Classification Criteria Version 2. Collection method: clinical testing. Allele origin: germline. Affected: yes. Observed: 1 variant allele.
Comment: CERS1: BP4

Labcorp Genetics (formerly Invitae), Labcorp
Classification: Uncertain significance for Progressive myoclonic epilepsy type 8. Last evaluated: 2020-12-23. Review status: criteria provided, single submitter. Criteria: Invitae Variant Classification Sherloc (09022015). Collection method: clinical testing. Allele origin: germline.
Comment: This sequence change replaces valine with isoleucine at codon 191 of the CERS1 protein (p.Val191Ile). The valine residue is weakly conserved and there is a small physicochemical difference between valine and isoleucine. In summary, the available evidence is currently insufficient to determine the role of this variant in disease. Therefore, it has been classified as a Variant of Uncertain Significance. Algorithms developed to predict the effect of missense changes on protein structure and function output the following: SIFT: "Tolerated"; PolyPhen-2: "Benign"; Align-GVGD: "Class C0". The isoleucine amino acid residue is found in multiple mammalian species, suggesting that this missense change does not adversely affect protein function. These predictions have not been confirmed by published functional studies and their clinical significance is uncertain. This variant has not been reported in the literature in individuals with CERS1-related conditions. This variant is present in population databases (rs768421620, ExAC 0.007%).

NM_021267.5(CERS1):c.571G>A (p.Val191Ile)

Genes: CERS1 (ceramide synthase 1; minus strand), GDF1 (growth differentiation factor 1; minus strand). Cytogenetic location: 19p13.11.
Variant type: single nucleotide variant.
Coding change: c.571G>A on transcript NM_021267.5 (MANE Select); coding-DNA position 571, G replaced by A.
Protein change: p.Val191Ile; replaces valine 191 with isoleucine.
Molecular consequence: missense variant. On other transcripts: 5 prime UTR variant (2).
Genome position (GRCh38, 1-based): chr19:18,884,106, C>T on the plus strand (G>A on the coding strand, the complement: CERS1 is on the minus strand). VCF-style: chr19-18884106-C-T. GRCh37 (hg19) VCF-style: chr19-18994915-C-T.
Other names: c.277G>A, p.Val93Ile (NM_001290265.2, NM_001387442.1, NM_001387443.1 and 2 more transcripts); c.571G>A, p.Val191Ile (NM_001387439.1, NM_001387440.1, NM_001387441.1 and 1 more transcripts); c.-332G>A (NM_001387438.1); c.-752G>A (NM_001492.6); short protein forms V191I, V93I.
Identifiers: ClinVar variation 1430134 (VCV001430134.36), dbSNP rs768421620, ClinGen allele CA9318225.